The following is an entry in ClinVar:

NM_004409.5(DMPK):c.*224CTG[75]

Genes: DM1-AS (DM1 locus antisense RNA; plus strand), DMPK (DM1 protein kinase; minus strand), LOC107075317 (origin of replication in DMPK trinucleotide repeat region; plus strand), LOC109461477 (dystrophia myotonica protein kinase repeat instability region; plus strand). Cytogenetic location: 19q13.32.
Variant type: Microsatellite.
Coding change: c.*224CTG[75] on transcript NM_004409.5 (MANE Select); 75 copies in a row of the 3-base unit CTG starting at c.*224.
Molecular consequence: 3 prime UTR variant.
Genome position: GRCh38, VCF-style position (the base before the change): chr19:45,770,204. GRCh37 (hg19), VCF-style position (the base before the change): chr19:46,273,462.
Other names: DM1 CTG repeat expansion; c.*224CTG[75] (NM_001081560.3, NM_001288764.2, NM_001424165.1 and 1 more transcripts); c.*217CTG[75] (NM_001081562.3, NM_001288765.2, NM_001424162.1 and 2 more transcripts); c.*222_*224TGC[75] (NM_001081563.3); c.*369CTG[75] (NM_001288766.2, NM_001424164.1, NM_001424168.1).
Identifiers: ClinVar variation 188027 (VCV000188027.3), ClinGen allele CA915951858.

ClinVar aggregate classification (germline): Pathogenic. Review status: criteria provided, single submitter (1 of 4 stars). 2 submissions from 2 submitters: Pathogenic (1). 1 of the submissions does not count toward it. Last evaluated 2019-11-26.

Conditions:
Steinert myotonic dystrophy syndrome (DM1). Also called: STEINERT DISEASE; Myotonic dystrophy type 1; Dystrophia myotonica type 1; Steinert myotonic dystrophy; Steinert's disease. Identifiers: Orphanet 273, MedGen C3250443, MONDO:0008056, OMIM 160900.

Submissions (2):

Neuromuscular Research, Maastricht University Medical Centre
Classification: Pathogenic for Steinert myotonic dystrophy syndrome. Last evaluated: 2019-11-26. Review status: criteria provided, single submitter. Criteria: Best practice guidelines on molecular diagnosis DM1 and DM2, Kamsteeg et al. 2012. Collection method: clinical testing. Allele origin: maternal. Affected: yes.

Institute of Molecular, Cell and Systems Biology, University of Glasgow
Classification: Pathogenic for Steinert myotonic dystrophy syndrome. Review status: no assertion criteria provided. Criteria: research. Collection method: research. Allele origin: germline. Inheritance: Autosomal dominant inheritance. Affected: yes. Observed: 1 heterozygote. Not counted in ClinVar's aggregate classification.
Comment: DMPK CTG repeat expansions greater than approximately 45-50 repeats are assumed to be pathogenic

This record is based on data published in PubMed 25052313, which reports only ClinVar accessions SCV000120188 and SCV000120189. The complete data set includes SCV000207445 - SCV000207579.

Literature cited by the submitters: PubMed 32203199 (cited by Neuromuscular Research, Maastricht University Medical Centre); PubMed 1346923 (cited by Institute of Molecular, Cell and Systems Biology, University of Glasgow); PubMed 1546326 (cited by Institute of Molecular, Cell and Systems Biology, University of Glasgow); PubMed 25052313 (cited by Institute of Molecular, Cell and Systems Biology, University of Glasgow).